The following is an entry in ClinVar:

NM_000814.6(GABRB3):c.929T>G (p.Leu310Arg)

Gene: GABRB3 (gamma-aminobutyric acid type A receptor subunit beta3; minus strand). Cytogenetic location: 15q12.
Variant type: single nucleotide variant.
Coding change: c.929T>G on transcript NM_000814.6 (MANE Select); coding-DNA position 929, T replaced by G.
Protein change: p.Leu310Arg; replaces leucine 310 with arginine.
Molecular consequence: missense variant.
Genome position (GRCh38, 1-based): chr15:26,561,083, A>C on the plus strand (T>G on the coding strand, the complement: GABRB3 is on the minus strand). VCF-style: chr15-26561083-A-C. GRCh37 (hg19) VCF-style: chr15-26806230-A-C.
Other names: c.674T>G, p.Leu225Arg (NM_001191320.2, NM_001278631.2); c.716T>G, p.Leu239Arg (NM_001191321.3); c.929T>G, p.Leu310Arg (NM_021912.5); short protein forms L225R, L239R, L310R.
Identifiers: ClinVar variation 2500725 (VCV002500725.2), dbSNP rs2504153506, ClinGen allele CA391462018.
Genomic context (GRCh38, chr15:26,561,083, plus strand): 5'-ATGTAGTTGACAAAGGCATACTCCAGAAGGGCCAGGAACACAAAGACGAAGCAGCCCATA[A>C]GGTACATGTCAATGGCTTTGACATAGGGGATTTTGGGCAAGGTCTCCCGAAGGTGGGTGT-3'
Protein context (NP_000805.1, residues 300-320): IPYVKAIDMY[Leu310Arg]MGCFVFVFLA

ClinVar aggregate classification (germline): Pathogenic (1 of 4 stars; one submission).

Conditions:
Developmental and epileptic encephalopathy, 43 (DEE43). Also called: Epileptic encephalopathy, early infantile, 43. Identifiers: MedGen C4310712, MONDO:0014921, OMIM 617113.

Submission:

Victorian Clinical Genetics Services, Murdoch Childrens Research Institute
Classification: Pathogenic for Developmental and epileptic encephalopathy, 43. Last evaluated: 2022-02-02. Review status: criteria provided, single submitter. Criteria: ACMG Guidelines, 2015. Collection method: clinical testing. Allele origin: germline. Inheritance: Autosomal dominant inheritance. Affected: yes.
Comment: Based on the classification scheme VCGS_Germline_v1.3.4, this variant is classified as Pathogenic. Following criteria are met: 0103 - Loss of function and gain of function are known mechanisms of disease in this gene and are associated with developmental and epileptic encephalopathy 43 (MIM#617113). While loss-of-function type variants have been reported, functional studies on a handful of missense variants also demonstrated gain-of-function (PMID: 33585817). (I) 0107 - This gene is associated with autosomal dominant disease. (I) 0112 - The condition associated with this gene has incomplete penetrance. Loss-of-function type variants have been reported to be inherited from unaffected parents (PMID: 28053010). (I) 0200 - Variant is predicted to result in a missense amino acid change from leucine to arginine. (I) 0251 - This variant is heterozygous. (I) 0301 - Variant is absent from gnomAD (both v2 and v3). (SP) 0501 - Missense variant consistently predicted to be damaging by multiple in silico tools or highly conserved with a major amino acid change. (SP) 0603 - Missense variant in a region that is highly intolerant to missense variation (high constraint region in DECIPHER). (SP) 0704 - Another missense variant comparable to the one identified in this case has limited previous evidence for pathogenicity. The p.(Leu310Ile) has been shown to be de novo in an affected individual and classified as likely pathogenic by a diagnostic laboratory in ClinVar. (SP) 0807 - This variant has no previous evidence of pathogenicity. (I) 0905 - No published segregation evidence has been identified for this variant. (I) 1007 - No published functional evidence has been identified for this variant. (SP) Legend: (SP) - Supporting pathogenic, (I) - Information, (SB) - Supporting benign

Literature cited by the submitters: PubMed 28053010; PubMed 33585817.